The following is an entry in ClinVar:

NM_000219.6(KCNE1):c.108_109delinsGG (p.Ser37Gly)

Gene: KCNE1 (potassium voltage-gated channel subfamily E regulatory subunit 1; minus strand). Cytogenetic location: 21q22.12.
Variant type: Indel.
Coding change: c.108_109delinsGG on transcript NM_000219.6 (MANE Select); coding-DNA positions 108 to 109, CA replaced by GG.
Protein change: p.Ser37Gly; replaces serine 37 with glycine.
Molecular consequence: missense variant.
Genome position (GRCh38, 1-based): chr21:34,449,526-34,449,527, TG replaced by CC on the plus strand (CA replaced by GG on the coding strand, the reverse complement: KCNE1 is on the minus strand). VCF-style: chr21-34449526-TG-CC. GRCh37 (hg19) VCF-style: chr21-35821824-TG-CC.
Other names: c.108_109delinsGG, p.Ser37Gly (NM_001127668.4, NM_001127669.4, NM_001127670.4 and 4 more transcripts); short protein forms S37G.
Identifiers: ClinVar variation 289867 (VCV000289867.13), dbSNP rs886044294, ClinGen allele CA10606580.
Genomic context (GRCh38, chr21:34,449,526, plus strand): 5'-AGAAGCCGAAGAATCCCAGTACCATGAGGACGTAGAGGGCCTCCAGCTTGCCGTCACTGC[TG>CC]CGGGGGGACCTGCGGGCCAGGCCCGACATGTTGCCACCCTGCTGAACTGTCTCCTGCCAC-3'
Protein context (NP_000210.2, residues 27-47): MSGLARRSPR[Ser37Gly]SDGKLEALYV

ClinVar aggregate classification (germline): Uncertain significance. Review status: criteria provided, multiple submitters, no conflicts (2 of 4 stars). 4 submissions from 4 submitters: Uncertain significance (4). Last evaluated 2024-06-25.

Conditions:
Long QT syndrome 5 (LQT5). Identifiers: Orphanet 101016, Orphanet 768, MedGen C1867904, MONDO:0013372, OMIM 613695.
Jervell and Lange-Nielsen syndrome 2 (JLNS2). Identifiers: Orphanet 768, Orphanet 90647, MedGen C2676723, MONDO:0012871, OMIM 612347.
Cardiovascular phenotype. Identifiers: MedGen CN230736.
Long QT syndrome (LQTS). Identifiers: MedGen C0023976, MeSH D008133, MONDO:0002442. Disease mechanism: loss of function. Inheritance: Various modes of inheritance.

Submissions (4):

Labcorp Genetics (formerly Invitae), Labcorp
Classification: Uncertain significance for Long QT syndrome. Last evaluated: 2024-06-25. Review status: criteria provided, single submitter. Criteria: Invitae Variant Classification Sherloc (09022015). Collection method: clinical testing. Allele origin: germline.
Comment: This sequence change replaces serine, which is neutral and polar, with glycine, which is neutral and non-polar, at codon 37 of the KCNE1 protein (p.Ser37Gly). Information on the frequency of this variant in the gnomAD database is not available, as this variant may be reported differently in the database. This variant has not been reported in the literature in individuals affected with KCNE1-related conditions. ClinVar contains an entry for this variant (Variation ID: 289867). Experimental studies and prediction algorithms are not available or were not evaluated, and the functional significance of this variant is currently unknown. In summary, the available evidence is currently insufficient to determine the role of this variant in disease. Therefore, it has been classified as a Variant of Uncertain Significance.

Fulgent Genetics
Classification: Uncertain significance for Jervell and Lange-Nielsen syndrome 2; Long QT syndrome 5. Last evaluated: 2021-10-16. Review status: criteria provided, single submitter. Criteria: ACMG Guidelines, 2015. Collection method: clinical testing. Allele origin: unknown.

Ambry Genetics
Classification: Uncertain significance for Cardiovascular phenotype. Last evaluated: 2020-01-03. Review status: criteria provided, single submitter. Criteria: Ambry Variant Classification Scheme 2023. Collection method: clinical testing. Allele origin: germline.
Comment: The c.108_109delCAinsGG variant (also known as p.S37G), located in coding exon 1 of the KCNE1 gene, results from an in-frame deletion of CA and insertion of GG at nucleotide positions 108 to 109. This results in the substitution of the serine residue for a glycine residue at codon 37, an amino acid with similar properties. The p.S37G variant has been reported as a secondary cardiac variant in an exome cohort (Ng D et al. Circ Cardiovasc Genet, 2013 Aug;6:337-46). This amino acid position is poorly conserved in available vertebrate species, and glycine is the reference amino acid in other vertebrate species. In addition, this alteration is predicted to be neutral by in silico analysis (Choi Y et al. PLoS ONE. 2012; 7(10):e46688). Since supporting evidence is limited at this time, the clinical significance of this alteration remains unclear.

Eurofins Ntd Llc (ga)
Classification: Uncertain significance. Last evaluated: 2016-08-04. Review status: criteria provided, single submitter. Criteria: EGL Classification Definitions 2015. Collection method: clinical testing. Allele origin: germline. Observed: 2 variant alleles, 2 heterozygotes.

Literature cited by the submitters: PubMed 23861362 (cited by Ambry Genetics).